The following is an entry in ClinVar:

ClinVar aggregate classification (germline): Uncertain significance (1 of 4 stars; one submission).

gnomAD v4.1: 1 of 1,614,060 alleles (0.000062%); highest among the groups gnomAD compares: Non-Finnish European, 0.000085%; no homozygotes.

Submission:

GeneDx
Classification: Uncertain significance. Last evaluated: 2023-05-26. Review status: criteria provided, single submitter. Criteria: GeneDx Variant Classification Process June 2021. Collection method: clinical testing. Allele origin: germline. Affected: yes.
Comment: Not observed at significant frequency in large population cohorts (gnomAD); In silico analysis supports that this missense variant does not alter protein structure/function; Has not been previously published as pathogenic or benign to our knowledge

NM_001130438.3(SPTAN1):c.3145A>T (p.Ile1049Phe)

Gene: SPTAN1 (spectrin alpha, non-erythrocytic 1; plus strand). Cytogenetic location: 9q34.11.
Variant type: single nucleotide variant.
Coding change: c.3145A>T on transcript NM_001130438.3 (MANE Select); coding-DNA position 3145, A replaced by T.
Protein change: p.Ile1049Phe; replaces isoleucine 1049 with phenylalanine.
Molecular consequence: missense variant.
Genome position (GRCh38, 1-based): chr9:128,591,615, A>T. VCF-style: chr9-128591615-A-T. GRCh37 (hg19) VCF-style: chr9-131353894-A-T.
Other names: c.3145A>T, p.Ile1049Phe (NM_001195532.2, NM_001363759.2, NM_001363765.2 and 5 more transcripts); c.3181A>T, p.Ile1061Phe (NM_001375312.2, NM_001375318.1); short protein forms I1049F, I1061F.
Identifiers: ClinVar variation 3362222 (VCV003362222.1).
Genomic context (GRCh38, chr9:128,591,615, plus strand): 5'-TCAGCCTCCCGGGAGAATCTCCTGGAGGAGCAAGGCAGCATAGCACTGCGGCAGGAGCAG[A>T]TTGACAATCAGTAAGGATGACACTGGGGGCCGCAAGGGCTAGGCGTCCCATAGGCATACT-3'
Protein context (NP_001123910.1, residues 1039-1059): QGSIALRQEQ[Ile1049Phe]DNQTRITKEA